The following is an entry in ClinVar:

ClinVar aggregate classification (germline): Uncertain significance. Review status: criteria provided, multiple submitters, no conflicts (2 of 4 stars). 2 submissions from 2 submitters: Uncertain significance (2). Last evaluated 2025-11-20.

Submissions (2):

Ambry Genetics
Classification: Uncertain significance. Last evaluated: 2025-11-20. Review status: criteria provided, single submitter. Criteria: Ambry Variant Classification Scheme 2023. Collection method: clinical testing. Allele origin: germline.

Labcorp Genetics (formerly Invitae), Labcorp
Classification: Uncertain significance. Last evaluated: 2023-04-26. Review status: criteria provided, single submitter. Criteria: Invitae Variant Classification Sherloc (09022015). Collection method: clinical testing. Allele origin: germline.
Comment: In summary, the available evidence is currently insufficient to determine the role of this variant in disease. Therefore, it has been classified as a Variant of Uncertain Significance. Advanced modeling of protein sequence and biophysical properties (such as structural, functional, and spatial information, amino acid conservation, physicochemical variation, residue mobility, and thermodynamic stability) performed at Invitae indicates that this missense variant is not expected to disrupt AK7 protein function. This variant has not been reported in the literature in individuals affected with AK7-related conditions. This variant is not present in population databases (gnomAD no frequency). This sequence change replaces histidine, which is basic and polar, with arginine, which is basic and polar, at codon 583 of the AK7 protein (p.His583Arg).

NM_152327.5(AK7):c.1748A>G (p.His583Arg)

Gene: AK7 (adenylate kinase 7; plus strand). Cytogenetic location: 14q32.2.
Variant type: single nucleotide variant.
Coding change: c.1748A>G on transcript NM_152327.5 (MANE Select); coding-DNA position 1748, A replaced by G.
Protein change: p.His583Arg; replaces histidine 583 with arginine.
Molecular consequence: missense variant.
Genome position (GRCh38, 1-based): chr14:96,478,657, A>G. VCF-style: chr14-96478657-A-G. GRCh37 (hg19) VCF-style: chr14-96944994-A-G.
Other names: c.1679A>G, p.His560Arg (NM_001350888.2, NM_001350890.2); c.1670A>G, p.His557Arg (NM_001350891.2); c.1550A>G, p.His517Arg (NM_001350892.2); c.1748A>G (NM_152327.2); short protein forms H583R, H517R, H557R, H560R.
Identifiers: ClinVar variation 3002706 (VCV003002706.4), dbSNP rs1895328961, ClinGen allele CA390923294.